The following is an entry in ClinVar:

ClinVar aggregate classification (germline): Benign (0 of 4 stars; one submission).

Conditions:
SUMF2-related disorder. Also called: SUMF2-related condition.

Allele frequency attached by ClinVar (database versions not stated): TOPMed 0.07176; gnomAD 0.07312; gnomAD exomes 0.08279; 1000 Genomes Project 30x 0.11227; 1000 Genomes Project 0.11621; ExAC 0.23118.
gnomAD v4.1: 43,403 of 545,966 alleles (7.9%); highest among the groups gnomAD compares: East Asian, 25%; 2,497 homozygotes.

Submission:

PreventionGenetics, part of Exact Sciences
Classification: Benign for SUMF2-related condition. Last evaluated: 2019-03-28. Review status: no assertion criteria provided. Collection method: clinical testing. Allele origin: germline.
Comment: This variant is classified as benign based on ACMG/AMP sequence variant interpretation guidelines (Richards et al. 2015 PMID: 25741868, with internal and published modifications).

NM_015411.4(SUMF2):c.822-484G>A

Gene: SUMF2 (sulfatase modifying factor 2; plus strand). Cytogenetic location: 7p11.2.
Variant type: single nucleotide variant.
Coding change: c.822-484G>A on transcript NM_015411.4 (MANE Select); 484 bases into the intron before coding-DNA position 822, G replaced by A.
Molecular consequence: intron variant.
Genome position (GRCh38, 1-based): chr7:56,079,044, G>A. VCF-style: chr7-56079044-G-A. GRCh37 (hg19) VCF-style: chr7-56146737-G-A.
Other names: c.831-484G>A (NM_001042468.3); c.939+5G>A (NM_001366648.2); c.677-484G>A (NM_001130069.4); c.173-484G>A (NM_001366649.2); c.894+5G>A (NM_001366647.2); c.777-484G>A (NM_001042469.3); c.570-484G>A (NM_001042470.3); c.558-484G>A (NM_001146333.3).
Identifiers: ClinVar variation 3060574 (VCV003060574.2), dbSNP rs13226699, ClinGen allele CA4269847.